The following is an entry in ClinVar:

ClinVar aggregate classification (germline): Benign/Likely benign. Review status: criteria provided, multiple submitters, no conflicts (2 of 4 stars). 6 submissions from 6 submitters: Benign (3); Likely benign (2). 1 of the submissions does not count toward it. Last evaluated 2025-12-17.

Conditions:
FBLN1-related disorder. Also called: FBLN1-related condition.

Allele frequency attached by ClinVar (database versions not stated): 1000 Genomes Project 30x 0.00141; 1000 Genomes Project 0.00160; TOPMed 0.00160; gnomAD 0.00173 and 0.00183; gnomAD exomes 0.00199 and 0.00311; ExAC 0.00214; ESP Exome Variant Server 0.00215.
gnomAD v4.1: 4,802 of 1,613,046 alleles (0.3%); highest among the groups gnomAD compares: South Asian, 0.38%; 17 homozygotes.

Submissions (6):

Labcorp Genetics (formerly Invitae), Labcorp
Classification: Benign. Last evaluated: 2025-12-17. Review status: criteria provided, single submitter. Criteria: Invitae Variant Classification Sherloc (09022015). Collection method: clinical testing. Allele origin: germline.

Blueprint Genetics
Classification: Likely benign. Last evaluated: 2024-11-26. Review status: criteria provided, single submitter. Criteria: ACMG Guidelines, 2015. Collection method: clinical testing. Allele origin: germline.

CeGaT Center for Human Genetics Tuebingen
Classification: Likely benign. Last evaluated: 2024-07-01. Review status: criteria provided, single submitter. Criteria: CeGaT Center For Human Genetics Tuebingen Variant Classification Criteria Version 2. Collection method: clinical testing. Allele origin: germline. Affected: yes. Observed: 2 variant alleles.
Comment: FBLN1: BP4, BP7

Eurofins Ntd Llc (ga)
Classification: Benign. Last evaluated: 2015-11-17. Review status: criteria provided, single submitter. Criteria: EGL Classification Definitions 2015. Collection method: clinical testing. Allele origin: germline. Observed: 1 variant allele, 1 heterozygote.

Breakthrough Genomics
Classification: Benign. Review status: criteria provided, single submitter. Criteria: ACMG Guidelines, 2015. Collection method: not provided. Allele origin: germline. Inheritance: Autosomal dominant inheritance. Affected: yes.

PreventionGenetics, part of Exact Sciences
Classification: Likely benign for FBLN1-related condition. Last evaluated: 2020-01-16. Review status: no assertion criteria provided. Collection method: clinical testing. Allele origin: germline. Not counted in ClinVar's aggregate classification.
Comment: This variant is classified as likely benign based on ACMG/AMP sequence variant interpretation guidelines (Richards et al. 2015 PMID: 25741868, with internal and published modifications).

NM_006486.3(FBLN1):c.1209C>T (p.Cys403=)

Gene: FBLN1 (fibulin 1; plus strand). Cytogenetic location: 22q13.31.
Variant type: single nucleotide variant.
Coding change: c.1209C>T on transcript NM_006486.3 (MANE Select); coding-DNA position 1209, C replaced by T.
Protein change: p.Cys403=; no amino-acid change (cysteine 403 retained).
Molecular consequence: synonymous variant.
Genome position (GRCh38, 1-based): chr22:45,543,414, C>T. VCF-style: chr22-45543414-C-T. GRCh37 (hg19) VCF-style: chr22-45939294-C-T.
Other names: c.1209C>T, p.Cys403= (NM_001996.4, NM_006485.4, NM_006487.3).
Identifiers: ClinVar variation 284524 (VCV000284524.40), dbSNP rs140586412, ClinGen allele CA10286870.
Genomic context (GRCh38, chr22:45,543,414, plus strand): 5'-CCACTGTGTTGGACATTGCCCTGAGTCAGCCCACCCCTCACTTTCAGATGTCAACGAGTG[C>T]CAGCGCTACCCCGGGCGCCTGTGTGGCCACAAGTGCGAGAACACGCTGGGCTCCTACCTC-3'
Protein context (NP_006477.3, residues 393-413): ISRMCVDVNE[Cys403=]QRYPGRLCGH